The following is an entry in ClinVar:

NM_015047.3(EMC1):c.79G>A (p.Val27Met)

Gene: EMC1 (ER membrane protein complex subunit 1; minus strand). Cytogenetic location: 1p36.13.
Variant type: single nucleotide variant.
Coding change: c.79G>A on transcript NM_015047.3 (MANE Select); coding-DNA position 79, G replaced by A.
Protein change: p.Val27Met; replaces valine 27 with methionine.
Molecular consequence: missense variant.
Genome position (GRCh38, 1-based): chr1:19,251,431, C>T on the plus strand (G>A on the coding strand, the complement: EMC1 is on the minus strand). VCF-style: chr1-19251431-C-T. GRCh37 (hg19) VCF-style: chr1-19577925-C-T.
Other names: c.79G>A, p.Val27Met (NM_001271427.2, NM_001271428.2, NM_001271429.2 and 2 more transcripts); short protein forms V27M.
Identifiers: ClinVar variation 1485665 (VCV001485665.8), dbSNP rs2151970236, ClinGen allele CA338775512.

ClinVar aggregate classification (germline): Uncertain significance (1 of 4 stars; one submission).

Submission:

Labcorp Genetics (formerly Invitae), Labcorp
Classification: Uncertain significance. Last evaluated: 2023-08-24. Review status: criteria provided, single submitter. Criteria: Invitae Variant Classification Sherloc (09022015). Collection method: clinical testing. Allele origin: germline.
Comment: In summary, the available evidence is currently insufficient to determine the role of this variant in disease. Therefore, it has been classified as a Variant of Uncertain Significance. Advanced modeling of protein sequence and biophysical properties (such as structural, functional, and spatial information, amino acid conservation, physicochemical variation, residue mobility, and thermodynamic stability) performed at Invitae indicates that this missense variant is expected to disrupt EMC1 protein function. This variant has not been reported in the literature in individuals affected with EMC1-related conditions. ClinVar contains an entry for this variant (Variation ID: 1485665). This sequence change replaces valine, which is neutral and non-polar, with methionine, which is neutral and non-polar, at codon 27 of the EMC1 protein (p.Val27Met). This variant is not present in population databases (gnomAD no frequency).